The following is an entry in ClinVar:

NM_000540.3(RYR1):c.766C>T (p.Arg256Cys)

Gene: RYR1 (ryanodine receptor 1; plus strand). Cytogenetic location: 19q13.2.
Variant type: single nucleotide variant.
Coding change: c.766C>T on transcript NM_000540.3 (MANE Select); coding-DNA position 766, C replaced by T.
Protein change: p.Arg256Cys; replaces arginine 256 with cysteine.
Molecular consequence: missense variant.
Genome position (GRCh38, 1-based): chr19:38,446,734, C>T. VCF-style: chr19-38446734-C-T. GRCh37 (hg19) VCF-style: chr19-38937374-C-T.
Other names: c.766C>T, p.Arg256Cys (NM_001042723.2); short protein forms R256C.
Identifiers: ClinVar variation 849271 (VCV000849271.15), dbSNP rs747769229, ClinGen allele CA069948.

ClinVar aggregate classification (germline): Uncertain significance. Review status: criteria provided, multiple submitters, no conflicts (2 of 4 stars). 5 submissions from 5 submitters: Uncertain significance (5). Last evaluated 2026-08-06.

Conditions:
Malignant hyperthermia, susceptibility to, 1 (MHS1). Also called: Malignant hyperthermia suceptibility 1; RYR1-Related Malignant Hyperthermia Susceptibility; Anesthesia related hyperthermia; Malignant hyperpyrexia; Fulminating hyperpyrexia; Pharmacogenic myopathy. Identifiers: Orphanet 423, MedGen C2930980, MONDO:0007783, OMIM 145600.
Central core myopathy (CMYO1A). Also called: CONGENITAL MYOPATHY 1A, AUTOSOMAL DOMINANT, WITH SUSCEPTIBILITY TO MALIGNANT HYPERTHERMIA; Central core disease; Myopathy, central fibrillar. Identifiers: Orphanet 597, MedGen C5830701, MONDO:0007294, OMIM 117000.
RYR1-related disorder. Also called: RYR1-related disorders; RYR1-related condition. Identifiers: MedGen CN239331.

Allele frequency attached by ClinVar (database versions not stated): gnomAD 0.00004; gnomAD exomes 0.00002; TOPMed 0.00003.
gnomAD v4.1: 29 of 1,613,844 alleles (0.0018%); highest among the groups gnomAD compares: African/African-American, 0.008%; no homozygotes.

Submissions (5):

OLLIN Analises Genomicas, OLLIN
Classification: Uncertain significance for Central core myopathy. Last evaluated: 2026-08-06. Review status: criteria provided, single submitter. Criteria: ACMG Guidelines 2015 PMID 25741868. Collection method: clinical testing. Allele origin: germline. Inheritance: Autosomal dominant inheritance.
Comment: This missense variant, located in exon 9 (of 106), has been reported in ClinVar (accession VCV000849271.14) and in gnomAD with an allele frequency of 0.0018%. However, to our knowledge, it has not been reported in the scientific literature. In silico analysis predicts that this variant has a deleterious effect. According to the currently available evidence, this variant has been classified as uncertain significance (PM2_P, PP3).

GeneDx
Classification: Uncertain significance. Last evaluated: 2025-09-22. Review status: criteria provided, single submitter. Criteria: GeneDx Variant Classification Process June 2021. Collection method: clinical testing. Allele origin: germline. Affected: yes.
Comment: Not observed at significant frequency in large population cohorts (gnomAD); In silico analysis supports that this missense variant has a deleterious effect on protein structure/function; Has not been previously published as pathogenic or benign to our knowledge; This variant is associated with the following publications: (PMID: 33767344)

Labcorp Genetics (formerly Invitae), Labcorp
Classification: Uncertain significance for RYR1-related disorder. Last evaluated: 2025-06-01. Review status: criteria provided, single submitter. Criteria: Invitae Variant Classification Sherloc (09022015). Collection method: clinical testing. Allele origin: germline.
Comment: This sequence change replaces arginine, which is basic and polar, with cysteine, which is neutral and slightly polar, at codon 256 of the RYR1 protein (p.Arg256Cys). This variant is present in population databases (rs747769229, gnomAD 0.007%). This missense change has been observed in individual(s) with clinical features of RYR1-related conditions (internal data). ClinVar contains an entry for this variant (Variation ID: 849271). Invitae Evidence Modeling of protein sequence and biophysical properties (such as structural, functional, and spatial information, amino acid conservation, physicochemical variation, residue mobility, and thermodynamic stability) indicates that this missense variant is expected to disrupt RYR1 protein function with a positive predictive value of 95%. In summary, the available evidence is currently insufficient to determine the role of this variant in disease. Therefore, it has been classified as a Variant of Uncertain Significance.

Revvity Omics, Revvity
Classification: Uncertain significance. Last evaluated: 2025-03-14. Review status: criteria provided, single submitter. Criteria: ACMG Guidelines, 2015. Collection method: clinical testing. Allele origin: germline.

All of Us Research Program, National Institutes of Health
Classification: Uncertain significance for Malignant hyperthermia, susceptibility to, 1. Last evaluated: 2024-02-05. Review status: criteria provided, single submitter. Criteria: ACMG Guidelines, 2015. Collection method: clinical testing. Allele origin: germline. Inheritance: Autosomal dominant inheritance. Observed: 8 variant alleles, 8 heterozygotes.
Comment: This missense variant replaces arginine with cysteine at codon 256 of the RYR1 protein. Computational prediction suggests that this variant may have deleterious impact on protein structure and function (internally defined REVEL score threshold >= 0.7, PMID: 27666373). To our knowledge, functional studies have not been reported for this variant. This variant has not been reported in individuals affected with RYR1-related disorders in the literature. This variant has been identified in 5/250830 chromosomes in the general population by the Genome Aggregation Database (gnomAD). The available evidence is insufficient to determine the role of this variant in disease conclusively. Therefore, this variant is classified as a Variant of Uncertain Significance.

This study involves interpretation of variants in research participants for the purpose of population health screening. Participant phenotype was not available at the time of variant classification. Additional details can be found in publication PMID: 35346344, PMCID: PMC8962531